The following is an entry in ClinVar:

NM_000264.5(PTCH1):c.2938G>T (p.Gly980Cys)

Gene: PTCH1 (patched 1; minus strand). Cytogenetic location: 9q22.32.
Variant type: single nucleotide variant.
Coding change: c.2938G>T on transcript NM_000264.5 (MANE Select); coding-DNA position 2938, G replaced by T.
Protein change: p.Gly980Cys; replaces glycine 980 with cysteine.
Molecular consequence: missense variant. On other transcripts: non-coding transcript variant (1).
Genome position (GRCh38, 1-based): chr9:95,458,243, C>A on the plus strand (G>T on the coding strand, the complement: PTCH1 is on the minus strand). VCF-style: chr9-95458243-C-A. GRCh37 (hg19) VCF-style: chr9-98220525-C-A.
Other names: c.2740G>T, p.Gly914Cys (NM_001083602.3); c.2935G>T, p.Gly979Cys (NM_001083603.3); c.2485G>T, p.Gly829Cys (NM_001083604.3, NM_001083605.3, NM_001083606.3 and 1 more transcripts); c.2782G>T, p.Gly928Cys (NM_001354918.2); short protein forms G829C, G914C, G928C, G979C, G980C.
Identifiers: ClinVar variation 3230997 (VCV003230997.1), dbSNP rs778337760, ClinGen allele CA374112740.

ClinVar aggregate classification (germline): Uncertain significance (1 of 4 stars; one submission).

Conditions:
Hereditary cancer-predisposing syndrome. Also called: Neoplastic Syndromes, Hereditary; Tumor predisposition; Hereditary neoplastic syndrome; Hereditary Cancer Syndrome. Identifiers: Orphanet 140162, MedGen C0027672, MeSH D009386, MONDO:0015356.

Submission:

Ambry Genetics
Classification: Uncertain significance for Hereditary cancer-predisposing syndrome. Last evaluated: 2024-03-08. Review status: criteria provided, single submitter. Criteria: Ambry Variant Classification Scheme 2023. Collection method: clinical testing. Allele origin: germline.
Comment: The p.G980C variant (also known as c.2938G>T), located in coding exon 18 of the PTCH1 gene, results from a G to T substitution at nucleotide position 2938. The glycine at codon 980 is replaced by cysteine, an amino acid with highly dissimilar properties. This amino acid position is conserved. In addition, this alteration is predicted to be deleterious by in silico analysis. Based on the available evidence, the clinical significance of this alteration remains unclear.